The following is an entry in ClinVar:

NM_000157.4(GBA1):c.403_404del (p.Leu135fs)

Genes: GBA1 (glucosylceramidase beta 1; minus strand), LOC106627981 (GBA recombination region; plus strand). Cytogenetic location: 1q22.
Variant type: Deletion.
Coding change: c.403_404del on transcript NM_000157.4 (MANE Select); coding-DNA positions 403 to 404, 2 bases deleted (CT; older notation c.403_404delCT).
Protein change: p.Leu135fs; shifts the reading frame from leucine 135.
Molecular consequence: frameshift variant. On other transcripts: intron variant (1).
Genome position (GRCh38, 1-based): chr1:155,239,666-155,239,667, AG deleted on the plus strand (CT on the coding strand, the reverse complement: GBA1 is on the minus strand). VCF-style (leftmost placement, unchanged base first): chr1-155239665-CAG-C. GRCh37 (hg19) VCF-style: chr1-155209456-CAG-C.
Other names: c.403_404del, p.Leu135fs (NM_001005741.3, NM_001005742.3); c.142_143del, p.Leu48fs (NM_001171811.2); c.307+219_307+220del (NM_001171812.2); short protein forms L48fs, L135fs.
Identifiers: ClinVar variation 932298 (VCV000932298.4), dbSNP rs1671970302, ClinGen allele CA1139656334.

ClinVar aggregate classification (germline): Pathogenic (0 of 4 stars; one submission).

Conditions:
Gaucher disease type I (GD1). Also called: GAUCHER DISEASE, NONCEREBRAL JUVENILE; GBA DEFICIENCY; GD I; GLUCOCEREBROSIDASE DEFICIENCY; Type 1 Gaucher Disease; ACID BETA-GLUCOSIDASE DEFICIENCY. Identifiers: Orphanet 355, Orphanet 77259, MedGen C1961835, MONDO:0009265, OMIM 230800.

Submission:

Department of Medical Biology, Faculty of Medicine, Hacettepe University
Classification: Pathogenic for Gaucher disease type I. Review status: no assertion criteria provided. Collection method: research. Allele origin: inherited. Inheritance: Autosomal recessive inheritance. Affected: yes. Observed: 1 compound heterozygote.
Comment: c.403_404delCT (p.Leu135Valfs*10) mutation creates an early stop codon in exon 4 enclosing active glucosyl hydrolase domain of the enzyme.